The following is an entry in ClinVar:

NM_025233.7(COASY):c.864C>T (p.Ser288=)

Gene: COASY (Coenzyme A synthase; plus strand). Cytogenetic location: 17q21.2.
Variant type: single nucleotide variant.
Coding change: c.864C>T on transcript NM_025233.7 (MANE Select); coding-DNA position 864, C replaced by T.
Protein change: p.Ser288=; no amino-acid change (serine 288 retained).
Molecular consequence: synonymous variant.
Genome position (GRCh38, 1-based): chr17:42,564,124, C>T. VCF-style: chr17-42564124-C-T. GRCh37 (hg19) VCF-style: chr17-40716142-C-T.
Other names: c.864C>T, p.Ser288= (NM_001042529.3); c.951C>T, p.Ser317= (NM_001042532.4).
Identifiers: ClinVar variation 2059681 (VCV002059681.3), dbSNP rs370902320, ClinGen allele CA8578078.
Genomic context (GRCh38, chr17:42,564,124, plus strand): 5'-CCTGCTGGACCCCTATGGGCCCGCTGGCTCTGACCCCTCCCTGGAGTTCCTGGTGGTCAG[C>T]GAGGAGACCTATCGTGGGGGGATGGCCATCAACCGCTTCCGCCTTGAGAATGTAACCCCT-3'
Protein context (NP_079509.5, residues 278-298): SDPSLEFLVV[Ser288=]EETYRGGMAI

ClinVar aggregate classification (germline): Uncertain significance (1 of 4 stars; one submission).

Conditions:
Neurodegeneration with brain iron accumulation 6 (NBIA6). Also called: COASY protein-associated neurodegeneration. Identifiers: Orphanet 397725, MedGen C4517377, MONDO:0014290, OMIM 615643.

Allele frequency attached by ClinVar (database versions not stated): ExAC 0.00002; ESP Exome Variant Server 0.00008.
gnomAD v4.1: 30 of 1,613,956 alleles (0.0019%); highest among the groups gnomAD compares: Admixed American, 0.0083%; no homozygotes.

Submissions (2):

Labcorp Genetics (formerly Invitae), Labcorp
Classification: Uncertain significance for Neurodegeneration with brain iron accumulation 6. Last evaluated: 2025-10-02. Review status: criteria provided, single submitter. Criteria: Invitae Variant Classification Sherloc (09022015). Collection method: clinical testing. Allele origin: germline.
Comment: This sequence change affects codon 288 of the COASY mRNA. It is a 'silent' change, meaning that it does not change the encoded amino acid sequence of the COASY protein. This variant is present in population databases (rs370902320, gnomAD 0.009%). This variant has not been reported in the literature in individuals affected with COASY-related conditions. ClinVar contains an entry for this variant (Variation ID: 2059681). Algorithms developed to predict the effect of sequence changes on RNA splicing suggest that this variant may create or strengthen a splice site. In summary, the available evidence is currently insufficient to determine the role of this variant in disease. Therefore, it has been classified as a Variant of Uncertain Significance.

Dr. Peter K. Rogan Lab, Western University
No classification provided (evidence only). Condition: Gastric cancer. Review status: no classification provided. Collection method: in vitro. Allele origin: not applicable. Functional consequence: retained intron. Not counted in ClinVar's aggregate classification.